The following is an entry in ClinVar:

ClinVar aggregate classification (germline): Uncertain significance (1 of 4 stars; one submission).

Conditions:
RASopathy. Also called: Noonan spectrum disorder; rasopathies. Identifiers: Orphanet 536391, MedGen C5555857, MONDO:0021060.

Allele frequency attached by ClinVar (database versions not stated): TOPMed below 0.00001; gnomAD 0.00001; gnomAD exomes 0.00001.
gnomAD v4.1: 4 of 1,613,830 alleles (0.00025%); highest among the groups gnomAD compares: Admixed American, 0.0017%; no homozygotes.

Submission:

Labcorp Genetics (formerly Invitae), Labcorp
Classification: Uncertain significance for RASopathy. Last evaluated: 2023-08-30. Review status: criteria provided, single submitter. Criteria: Invitae Variant Classification Sherloc (09022015). Collection method: clinical testing. Allele origin: germline.
Comment: This sequence change replaces glycine, which is neutral and non-polar, with arginine, which is basic and polar, at codon 213 of the MAP2K1 protein (p.Gly213Arg). In summary, the available evidence is currently insufficient to determine the role of this variant in disease. Therefore, it has been classified as a Variant of Uncertain Significance. Advanced modeling of protein sequence and biophysical properties (such as structural, functional, and spatial information, amino acid conservation, physicochemical variation, residue mobility, and thermodynamic stability) performed at Invitae indicates that this missense variant is not expected to disrupt MAP2K1 protein function. This variant has not been reported in the literature in individuals affected with MAP2K1-related conditions. This variant is not present in population databases (gnomAD no frequency).

NM_002755.4(MAP2K1):c.637G>A (p.Gly213Arg)

Gene: MAP2K1 (mitogen-activated protein kinase kinase 1; plus strand). Cytogenetic location: 15q22.31.
Variant type: single nucleotide variant.
Coding change: c.637G>A on transcript NM_002755.4 (MANE Select); coding-DNA position 637, G replaced by A.
Protein change: p.Gly213Arg; replaces glycine 213 with arginine.
Molecular consequence: missense variant.
Genome position (GRCh38, 1-based): chr15:66,481,823, G>A. VCF-style: chr15-66481823-G-A. GRCh37 (hg19) VCF-style: chr15-66774161-G-A.
Other names: c.493G>A, p.Gly165Arg (NM_001411065.1); short protein forms G165R, G213R.
Identifiers: ClinVar variation 2905812 (VCV002905812.3), dbSNP rs1313264011, ClinGen allele CA392936338.
Genomic context (GRCh38, chr15:66,481,823, plus strand): 5'-CCCTCCAACATCCTAGTCAACTCCCGTGGGGAGATCAAGCTCTGTGACTTTGGGGTCAGC[G>A]GGCAGCTCATCGACTCCATGGCCAACTCCTTCGTGGGCACAAGGTCCTACATGTCGGTAT-3'
Protein context (NP_002746.1, residues 203-223): EIKLCDFGVS[Gly213Arg]QLIDSMANSF